The following is an entry in ClinVar:

NM_005391.5(PDK3):c.280T>A (p.Tyr94Asn)

Gene: PDK3 (pyruvate dehydrogenase kinase 3; plus strand). Cytogenetic location: Xp22.11.
Variant type: single nucleotide variant.
Coding change: c.280T>A on transcript NM_005391.5 (MANE Select); coding-DNA position 280, T replaced by A.
Protein change: p.Tyr94Asn; replaces tyrosine 94 with asparagine.
Molecular consequence: missense variant.
Genome position (GRCh38, 1-based): chrX:24,498,860, T>A. VCF-style: chrX-24498860-T-A. GRCh37 (hg19) VCF-style: chrX-24516977-T-A.
Other names: c.280T>A, p.Tyr94Asn (NM_001142386.3); short protein forms Y94N.
Identifiers: ClinVar variation 5008289 (VCV005008289.1).

ClinVar aggregate classification (germline): Uncertain significance (1 of 4 stars; one submission).

Submission:

GeneDx
Classification: Uncertain significance. Last evaluated: 2026-02-12. Review status: criteria provided, single submitter. Criteria: GeneDx Variant Classification Process June 2021. Collection method: clinical testing. Allele origin: germline.
Comment: Not observed at significant frequency in large population cohorts (gnomAD); In silico analysis supports that this missense variant has a deleterious effect on protein structure/function; Has not been previously published as pathogenic or benign to our knowledge